The following is an entry in ClinVar:

NM_001243925.2(MAPKAPK3):c.7G>A (p.Gly3Ser)

Gene: MAPKAPK3 (MAPK activated protein kinase 3; plus strand). Cytogenetic location: 3p21.2.
Variant type: single nucleotide variant.
Coding change: c.7G>A on transcript NM_001243925.2 (MANE Select); coding-DNA position 7, G replaced by A.
Protein change: p.Gly3Ser; replaces glycine 3 with serine.
Molecular consequence: missense variant.
Genome position (GRCh38, 1-based): chr3:50,617,572, G>A. VCF-style: chr3-50617572-G-A. GRCh37 (hg19) VCF-style: chr3-50655003-G-A.
Other names: c.7G>A, p.Gly3Ser (NM_001243926.2, NM_004635.5); c.7G>A (NM_004635.4); short protein forms G3S.
Identifiers: ClinVar variation 1051510 (VCV001051510.6), dbSNP rs368742045, ClinGen allele CA2420130.

ClinVar aggregate classification (germline): Uncertain significance. Review status: criteria provided, multiple submitters, no conflicts (2 of 4 stars). 2 submissions from 2 submitters: Uncertain significance (2). Last evaluated 2025-12-06.

Allele frequency attached by ClinVar (database versions not stated): gnomAD exomes 0.00001 and 0.00003; TOPMed 0.00003; gnomAD 0.00005 and 0.00006; ExAC 0.00006; ESP Exome Variant Server 0.00016.
gnomAD v4.1: 18 of 1,547,202 alleles (0.0012%); highest among the groups gnomAD compares: African/African-American, 0.018%; no homozygotes.

Submissions (2):

Labcorp Genetics (formerly Invitae), Labcorp
Classification: Uncertain significance. Last evaluated: 2025-12-06. Review status: criteria provided, single submitter. Criteria: Invitae Variant Classification Sherloc (09022015). Collection method: clinical testing. Allele origin: germline.
Comment: This sequence change replaces glycine, which is neutral and non-polar, with serine, which is neutral and polar, at codon 3 of the MAPKAPK3 protein (p.Gly3Ser). This variant is present in population databases (rs368742045, gnomAD 0.03%). This variant has not been reported in the literature in individuals affected with MAPKAPK3-related conditions. ClinVar contains an entry for this variant (Variation ID: 1051510). An algorithm developed to predict the effect of missense changes on protein structure and function (PolyPhen-2) suggests that this variant is likely to be tolerated. In summary, the available evidence is currently insufficient to determine the role of this variant in disease. Therefore, it has been classified as a Variant of Uncertain Significance.

Ambry Genetics
Classification: Uncertain significance. Last evaluated: 2024-08-01. Review status: criteria provided, single submitter. Criteria: Ambry Variant Classification Scheme 2023. Collection method: clinical testing. Allele origin: germline.